The following is an entry in ClinVar:

NR_033294.2(SNORD118):n.105A>G

Genes: SNORD118 (small nucleolar RNA, C/D box 118; minus strand), TMEM107 (transmembrane protein 107; minus strand). Cytogenetic location: 17p13.1.
Variant type: single nucleotide variant.
Molecular consequence: non-coding transcript variant (on NR_033294.2). On other transcripts: 3 prime UTR variant (5).
Genome position: GRCh38 VCF-style: chr17-8173484-T-C. GRCh37 (hg19) VCF-style: chr17-8076802-T-C.
Other names: c.*719A>G (NM_001351278.2, NM_001351279.2, NM_001351280.2 and 3 more transcripts).
Identifiers: ClinVar variation 1580869 (VCV001580869.12), dbSNP rs9901637, ClinGen allele CA8370623.

ClinVar aggregate classification (germline): Benign/Likely benign. Review status: criteria provided, multiple submitters, no conflicts (2 of 4 stars). 3 submissions from 3 submitters: Benign (2); Likely benign (1). Last evaluated 2026-04-18.

Conditions:
TMEM107-related disorder. Also called: TMEM107-related condition.

Allele frequency attached by ClinVar (database versions not stated): 1000 Genomes Project 0.01937.
gnomAD v4.1: 5,528 of 764,250 alleles (0.72%); highest among the groups gnomAD compares: African/African-American, 8.2%; 222 homozygotes.

Submissions (3):

PreventionGenetics, part of Exact Sciences
Classification: Benign for TMEM107-related condition. Last evaluated: 2026-04-18. Review status: criteria provided, single submitter. Criteria: ACMG Guidelines, 2015. Collection method: clinical testing. Allele origin: germline.
Comment: This variant is classified as benign based on ACMG/AMP sequence variant interpretation guidelines (Richards et al. 2015 PMID: 25741868, with internal and published modifications).

Labcorp Genetics (formerly Invitae), Labcorp
Classification: Benign. Last evaluated: 2026-01-27. Review status: criteria provided, single submitter. Criteria: Invitae Variant Classification Sherloc (09022015). Collection method: clinical testing. Allele origin: germline.

Blueprint Genetics
Classification: Likely benign. Last evaluated: 2024-11-26. Review status: criteria provided, single submitter. Criteria: ACMG Guidelines, 2015. Collection method: clinical testing. Allele origin: germline.